The following is an entry in ClinVar:

NM_002187.3(IL12B):c.139G>T (p.Val47Phe)

Gene: IL12B (interleukin 12B; minus strand). Cytogenetic location: 5q33.3.
Variant type: single nucleotide variant.
Coding change: c.139G>T on transcript NM_002187.3 (MANE Select); coding-DNA position 139, G replaced by T.
Protein change: p.Val47Phe; replaces valine 47 with phenylalanine.
Molecular consequence: missense variant.
Genome position (GRCh38, 1-based): chr5:159,323,279, C>A on the plus strand (G>T on the coding strand, the complement: IL12B is on the minus strand). VCF-style: chr5-159323279-C-A. GRCh37 (hg19) VCF-style: chr5-158750287-C-A.
Other names: short protein forms V47F.
Identifiers: ClinVar variation 1375530 (VCV001375530.6), dbSNP rs563294089, ClinGen allele CA3538872.
Genomic context (GRCh38, chr5:159,323,279, plus strand): 5'-CACTGCTCTGGTCCAAGGTCCAGGTGATACCATCTTCTTCAGGGGTGTCACAGGTGAGGA[C>A]CACCATTTCTCCAGGGGCATCCGGATACCAATCCAATTCTACGACATAAACTGGAATGCA-3'
Protein context (NP_002178.2, residues 37-57): WYPDAPGEMV[Val47Phe]LTCDTPEEDG

ClinVar aggregate classification (germline): Uncertain significance (1 of 4 stars; one submission).

Conditions:
Mendelian susceptibility to mycobacterial diseases due to complete IL12B deficiency. Also called: IL12B DEFICIENCY; Immunodeficiency 29. Identifiers: Orphanet 319558, MedGen C4013948, MONDO:0013954, OMIM 614890.

Allele frequency attached by ClinVar (database versions not stated): gnomAD 0.00001; 1000 Genomes Project 30x 0.00016; 1000 Genomes Project 0.00020.
gnomAD v4.1: 8 of 1,614,024 alleles (0.0005%); highest among the groups gnomAD compares: South Asian, 0.0088%; no homozygotes.

Submission:

Labcorp Genetics (formerly Invitae), Labcorp
Classification: Uncertain significance for Mendelian susceptibility to mycobacterial diseases due to complete IL12B deficiency. Last evaluated: 2022-01-27. Review status: criteria provided, single submitter. Criteria: Invitae Variant Classification Sherloc (09022015). Collection method: clinical testing. Allele origin: germline.
Comment: Algorithms developed to predict the effect of missense changes on protein structure and function are either unavailable or do not agree on the potential impact of this missense change (SIFT: "Tolerated"; PolyPhen-2: "Possibly Damaging"; Align-GVGD: "Class C0"). This variant has not been reported in the literature in individuals affected with IL12B-related conditions. This variant is present in population databases (rs563294089, gnomAD 0.01%). This sequence change replaces valine, which is neutral and non-polar, with phenylalanine, which is neutral and non-polar, at codon 47 of the IL12B protein (p.Val47Phe). In summary, the available evidence is currently insufficient to determine the role of this variant in disease. Therefore, it has been classified as a Variant of Uncertain Significance.